The following is an entry in ClinVar:

ClinVar aggregate classification (germline): Likely pathogenic (1 of 4 stars; one submission).

Conditions:
MYO5B-related disorder. Also called: MYO5B-related condition.

Submission:

PreventionGenetics, part of Exact Sciences
Classification: Likely pathogenic for MYO5B-related condition. Last evaluated: 2026-06-24. Review status: criteria provided, single submitter. Criteria: ACMG Guidelines, 2015. Collection method: clinical testing. Allele origin: germline.
Comment: The MYO5B c.4113_4114delGA variant is predicted to result in a frameshift and premature protein termination (p.Glu1371Aspfs*39). To our knowledge, this variant has not been reported in the literature or in a large population database (gnomAD), indicating this variant is rare. Frameshift variants in MYO5B are expected to be pathogenic. This variant is interpreted as likely pathogenic.

NM_001080467.3(MYO5B):c.4113_4114del (p.Glu1371fs)

Gene: MYO5B (myosin VB; minus strand). Cytogenetic location: 18q21.1.
Variant type: Microsatellite.
Coding change: c.4113_4114del on transcript NM_001080467.3 (MANE Select); coding-DNA positions 4113 to 4114, 2 bases deleted (GA; older notation c.4113_4114delGA).
Protein change: p.Glu1371fs; shifts the reading frame from glutamic acid 1371.
Molecular consequence: frameshift variant.
Genome position (GRCh38, 1-based): chr18:49,853,556-49,853,557, TC deleted on the plus strand (GA on the coding strand, the reverse complement: MYO5B is on the minus strand); deleting any 2 consecutive bases within chr18:49,853,556-49,853,559 gives the same sequence; the c. name uses the placement nearest the transcript's 3' end. VCF-style (leftmost placement, unchanged base first): chr18-49853555-ATC-A. GRCh37 (hg19) VCF-style: chr18-47379925-ATC-A.
Other names: short protein forms E1371fs.
Identifiers: ClinVar variation 4992430 (VCV004992430.1).